The following is an entry in ClinVar:

NM_182961.4(SYNE1):c.15423A>G (p.Lys5141=)

Gene: SYNE1 (spectrin repeat containing nuclear envelope protein 1; minus strand). Cytogenetic location: 6q25.2.
Variant type: single nucleotide variant.
Coding change: c.15423A>G on transcript NM_182961.4 (MANE Select); coding-DNA position 15423, A replaced by G.
Protein change: p.Lys5141=; no amino-acid change (lysine 5141 retained).
Molecular consequence: synonymous variant.
Genome position (GRCh38, 1-based): chr6:152,325,973, T>C on the plus strand (A>G on the coding strand, the complement: SYNE1 is on the minus strand). VCF-style: chr6-152325973-T-C. GRCh37 (hg19) VCF-style: chr6-152647108-T-C.
Other names: c.15210A>G, p.Lys5070= (NM_033071.5).
Identifiers: ClinVar variation 669070 (VCV000669070.1), dbSNP rs1590119392, ClinGen allele CA452748271.

ClinVar aggregate classification (germline): Likely benign (1 of 4 stars; one submission).

Submission:

GeneDx
Classification: Likely benign. Last evaluated: 2018-05-30. Review status: criteria provided, single submitter. Criteria: GeneDx Variant Classification (06012015). Collection method: clinical testing. Allele origin: germline. Affected: yes.
Comment: This variant is considered likely benign or benign based on one or more of the following criteria: it is a conservative change, it occurs at a poorly conserved position in the protein, it is predicted to be benign by multiple in silico algorithms, and/or has population frequency not consistent with disease.